The following is an entry in ClinVar:

ClinVar aggregate classification (germline): Uncertain significance (1 of 4 stars; one submission).

Submission:

Labcorp Genetics (formerly Invitae), Labcorp
Classification: Uncertain significance. Last evaluated: 2024-04-20. Review status: criteria provided, single submitter. Criteria: Invitae Variant Classification Sherloc (09022015). Collection method: clinical testing. Allele origin: germline.
Comment: This sequence change falls in intron 22 of the ERBB4 gene. It does not directly change the encoded amino acid sequence of the ERBB4 protein. This variant is not present in population databases (gnomAD no frequency). This variant has not been reported in the literature in individuals affected with ERBB4-related conditions. In summary, the available evidence is currently insufficient to determine the role of this variant in disease. Therefore, it has been classified as a Variant of Uncertain Significance.

NM_005235.3(ERBB4):c.2720-6_2720-2dup

Gene: ERBB4 (erb-b2 receptor tyrosine kinase 4; minus strand). Cytogenetic location: 2q34.
Variant type: Duplication.
Coding change: c.2720-6_2720-2dup on transcript NM_005235.3 (MANE Select); 6 bases into the intron before coding-DNA position 2720 through the canonical splice acceptor site of the intron before coding-DNA position 2720, 5 bases duplicated (ATATA; older notation c.2720-6_2720-2dupATATA).
Molecular consequence: splice acceptor variant.
Genome position (GRCh38, 1-based): chr2:211,424,303-211,424,307, TATAT duplicated on the plus strand (ATATA on the coding strand, the reverse complement: ERBB4 is on the minus strand); duplicating any 5 consecutive bases within chr2:211,424,303-211,424,308 gives the same sequence; the c. name uses the placement nearest the transcript's 3' end. VCF-style (leftmost placement, unchanged base first): chr2-211424302-C-CTATAT. GRCh37 (hg19) VCF-style: chr2-212289027-C-CTATAT.
Other names: c.2720-6_2720-2dup (NM_001042599.2); c.2690-6_2690-2dup (NM_001439006.1, NM_001439005.1).
Identifiers: ClinVar variation 3695532 (VCV003695532.2).
Genomic context (GRCh38, chr2:211,424,302, plus strand): 5'-GCGTTGGAATTCCATCATAGGGTTTTCCTCCAAAGGTCATCAGTTCCCATATAGTAACTC[C>CTATAT]TATATTGGAGAAAAAATTCTTACTTAAGCATATTAACAACATATGTTGAACAAACCAGCA-3'